The following is an entry in ClinVar:

ClinVar aggregate classification (germline): Uncertain significance (1 of 4 stars; one submission).

gnomAD v4.1: 7 of 1,602,368 alleles (0.00044%); highest among the groups gnomAD compares: African/African-American, 0.0094%; no homozygotes.

Submission:

Labcorp Genetics (formerly Invitae), Labcorp
Classification: Uncertain significance. Last evaluated: 2023-11-17. Review status: criteria provided, single submitter. Criteria: Invitae Variant Classification Sherloc (09022015). Collection method: clinical testing. Allele origin: germline.
Comment: This sequence change replaces alanine, which is neutral and non-polar, with serine, which is neutral and polar, at codon 160 of the TBXA2R protein (p.Ala160Ser). This variant is present in population databases (rs5749, gnomAD 0.008%). This variant has not been reported in the literature in individuals affected with TBXA2R-related conditions. Advanced modeling of protein sequence and biophysical properties (such as structural, functional, and spatial information, amino acid conservation, physicochemical variation, residue mobility, and thermodynamic stability) performed at Invitae indicates that this missense variant is not expected to disrupt TBXA2R protein function with a negative predictive value of 80%. Experimental studies have shown that this missense change does not substantially affect TBXA2R function (PMID: 22272267). In summary, the available evidence is currently insufficient to determine the role of this variant in disease. Therefore, it has been classified as a Variant of Uncertain Significance.

Literature cited by the submitters: PubMed 22272267.

NM_001060.6(TBXA2R):c.478G>T (p.Ala160Ser)

Gene: TBXA2R (thromboxane A2 receptor; minus strand). Cytogenetic location: 19p13.3.
Variant type: single nucleotide variant.
Coding change: c.478G>T on transcript NM_001060.6 (MANE Select); coding-DNA position 478, G replaced by T.
Protein change: p.Ala160Ser; replaces alanine 160 with serine.
Molecular consequence: missense variant.
Genome position (GRCh38, 1-based): chr19:3,600,157, C>A on the plus strand (G>T on the coding strand, the complement: TBXA2R is on the minus strand). VCF-style: chr19-3600157-C-A. GRCh37 (hg19) VCF-style: chr19-3600155-C-A.
Other names: c.478G>T, p.Ala160Ser (NM_201636.3); short protein forms A160S.
Identifiers: ClinVar variation 2872631 (VCV002872631.3), dbSNP rs5749, ClinGen allele CA9080844.